The following is an entry in ClinVar:

ClinVar aggregate classification (germline): Conflicting classifications of pathogenicity. Review status: criteria provided, conflicting classifications (1 of 4 stars). 3 submissions from 3 submitters: Likely pathogenic (1); Uncertain significance (2). Last evaluated 2025-07-29.

Conditions:
Inborn genetic diseases. Identifiers: MedGen C0950123, MeSH D030342.

Allele frequency attached by ClinVar (database versions not stated): ExAC 0.00003; gnomAD 0.00007; 1000 Genomes Project 30x 0.00016; TOPMed 0.00017; 1000 Genomes Project 0.00020; gnomAD exomes 0.00001 and 0.00003.
gnomAD v4.1: 26 of 1,608,450 alleles (0.0016%); highest among the groups gnomAD compares: Admixed American, 0.028%; no homozygotes.

Submissions (3):

Dasa
Classification: Uncertain significance. Last evaluated: 2025-07-29. Review status: criteria provided, single submitter. Criteria: DASA Assertion Criteria. Collection method: clinical testing. Allele origin: germline.
Comment: NM_002662.5(PLD1):c.2531A>G (p.His844Arg) is a missense variant that results in the substitution of histidine with arginine. This variant is rare in population databases. Computational prediction algorithms are consistent with a deleterious effect. The currently available literature and clinical evidence are not sufficient to establish a definitive association between this variant and the reported condition. Therefore, this variant is classified as a variant of uncertain significance.

Labcorp Genetics (formerly Invitae), Labcorp
Classification: Uncertain significance. Last evaluated: 2022-08-20. Review status: criteria provided, single submitter. Criteria: Invitae Variant Classification Sherloc (09022015). Collection method: clinical testing. Allele origin: germline.
Comment: This sequence change replaces histidine, which is basic and polar, with arginine, which is basic and polar, at codon 844 of the PLD1 protein (p.His844Arg). In summary, the available evidence is currently insufficient to determine the role of this variant in disease. Therefore, it has been classified as a Variant of Uncertain Significance. Algorithms developed to predict the effect of missense changes on protein structure and function are either unavailable or do not agree on the potential impact of this missense change (SIFT: "Tolerated"; PolyPhen-2: "Possibly Damaging"; Align-GVGD: "Class C0"). ClinVar contains an entry for this variant (Variation ID: 208762). This missense change has been observed in individual(s) with neurodevelopmental disorder (PMID: 27513193). This variant is present in population databases (rs556433569, gnomAD 0.009%).

Ambry Genetics
Classification: Likely pathogenic for Inborn genetic diseases. Last evaluated: 2014-01-31. Review status: criteria provided, single submitter. Criteria: Ambry Autosomal Dominant and X-Linked criteria (10/2015). Collection method: clinical testing. Allele origin: germline. Observed: 1 variant allele.

Literature cited by the submitters: PubMed 27513193 (cited by Labcorp Genetics (formerly Invitae), Labcorp).

NM_002662.5(PLD1):c.2531A>G (p.His844Arg)

Gene: PLD1 (phospholipase D1; minus strand). Cytogenetic location: 3q26.31.
Variant type: single nucleotide variant.
Coding change: c.2531A>G on transcript NM_002662.5 (MANE Select); coding-DNA position 2531, A replaced by G.
Protein change: p.His844Arg; replaces histidine 844 with arginine.
Molecular consequence: missense variant.
Genome position (GRCh38, 1-based): chr3:171,644,922, T>C on the plus strand (A>G on the coding strand, the complement: PLD1 is on the minus strand). VCF-style: chr3-171644922-T-C. GRCh37 (hg19) VCF-style: chr3-171362712-T-C.
Other names: c.2417A>G, p.His806Arg (NM_001130081.3); short protein forms H844R, H806R.
Identifiers: ClinVar variation 208762 (VCV000208762.10), dbSNP rs556433569, ClinGen allele CA204844.